The following is an entry in ClinVar:

ClinVar aggregate classification (germline): Uncertain significance (1 of 4 stars; one submission).

Conditions:
Hereditary spastic paraplegia. Also called: Familial spastic paraparesis. Identifiers: Orphanet 685, MedGen C0037773, MONDO:0019064. Disease mechanism: loss of function.

Allele frequency attached by ClinVar (database versions not stated): gnomAD exomes 0.00006 and 0.00014; ExAC 0.00017; ESP Exome Variant Server 0.00039; gnomAD 0.00052 and 0.00057; TOPMed 0.00063; 1000 Genomes Project 30x 0.00078; 1000 Genomes Project 0.00080.
gnomAD v4.1: 164 of 1,613,910 alleles (0.01%); highest among the groups gnomAD compares: African/African-American, 0.19%; no homozygotes.

Submission:

Labcorp Genetics (formerly Invitae), Labcorp
Classification: Uncertain significance for Hereditary spastic paraplegia. Last evaluated: 2022-07-05. Review status: criteria provided, single submitter. Criteria: Invitae Variant Classification Sherloc (09022015). Collection method: clinical testing. Allele origin: germline.
Comment: Algorithms developed to predict the effect of missense changes on protein structure and function output the following: SIFT: "Tolerated"; PolyPhen-2: "Benign"; Align-GVGD: "Class C0". The asparagine amino acid residue is found in multiple mammalian species, which suggests that this missense change does not adversely affect protein function. In summary, the available evidence is currently insufficient to determine the role of this variant in disease. Therefore, it has been classified as a Variant of Uncertain Significance. ClinVar contains an entry for this variant (Variation ID: 1508275). This sequence change replaces serine, which is neutral and polar, with asparagine, which is neutral and polar, at codon 220 of the USP8 protein (p.Ser220Asn). This variant is present in population databases (rs140695550, gnomAD 0.2%), and has an allele count higher than expected for a pathogenic variant. This variant has not been reported in the literature in individuals affected with USP8-related conditions.

NM_005154.5(USP8):c.659G>A (p.Ser220Asn)

Gene: USP8 (ubiquitin specific peptidase 8; plus strand). Cytogenetic location: 15q21.2.
Variant type: single nucleotide variant.
Coding change: c.659G>A on transcript NM_005154.5 (MANE Select); coding-DNA position 659, G replaced by A.
Protein change: p.Ser220Asn; replaces serine 220 with asparagine.
Molecular consequence: missense variant.
Genome position (GRCh38, 1-based): chr15:50,465,164, G>A. VCF-style: chr15-50465164-G-A. GRCh37 (hg19) VCF-style: chr15-50757361-G-A.
Other names: c.659G>A, p.Ser220Asn (NM_001128610.3); c.428G>A, p.Ser143Asn (NM_001283049.2); short protein forms S220N, S143N.
Identifiers: ClinVar variation 1508275 (VCV001508275.8), dbSNP rs140695550, ClinGen allele CA7555538.